The following is an entry in ClinVar:

ClinVar aggregate classification (germline): Uncertain significance (1 of 4 stars; one submission).

Submission:

GeneDx
Classification: Uncertain significance. Last evaluated: 2026-01-09. Review status: criteria provided, single submitter. Criteria: GeneDx Variant Classification Process June 2021. Collection method: clinical testing. Allele origin: germline. Affected: yes.
Comment: Not observed at significant frequency in large population cohorts (gnomAD); In silico analysis suggests that this missense variant does not alter protein structure/function; Has not been previously published as pathogenic or benign to our knowledge

NM_004606.5(TAF1):c.4838C>G (p.Thr1613Ser)

Gene: TAF1 (TATA-box binding protein associated factor 1; plus strand). Cytogenetic location: Xq13.1.
Variant type: single nucleotide variant.
Coding change: c.4838C>G on transcript NM_004606.5 (MANE Select); coding-DNA position 4838, C replaced by G.
Protein change: p.Thr1613Ser; replaces threonine 1613 with serine.
Molecular consequence: missense variant. On other transcripts: non-coding transcript variant (9).
Genome position (GRCh38, 1-based): chrX:71,454,757, C>G. VCF-style: chrX-71454757-C-G. GRCh37 (hg19) VCF-style: chrX-70674607-C-G.
Other names: c.4838C>G, p.Thr1613Ser (NM_001286074.2); c.4775C>G, p.Thr1592Ser (NM_138923.4); short protein forms T1592S, T1613S.
Identifiers: ClinVar variation 1311840 (VCV001311840.3), dbSNP rs2148816163, ClinGen allele CA413524052.